The following is an entry in ClinVar:

NM_000824.5(GLRB):c.-29-8T>C

Gene: GLRB (glycine receptor beta; plus strand). Cytogenetic location: 4q32.1.
Variant type: single nucleotide variant.
Coding change: c.-29-8T>C on transcript NM_000824.5 (MANE Select); 8 bases into the intron before 29 bases upstream of the start codon, T replaced by C.
Molecular consequence: intron variant.
Genome position (GRCh38, 1-based): chr4:157,077,988, T>C. VCF-style: chr4-157077988-T-C. GRCh37 (hg19) VCF-style: chr4-157999140-T-C.
Other names: c.-29-8T>C (NM_001166061.2, NM_001166060.2).
Identifiers: ClinVar variation 901766 (VCV000901766.4), dbSNP rs201748580, ClinGen allele CA3119624.

ClinVar aggregate classification (germline): Benign (1 of 4 stars; one submission).

Conditions:
Hyperekplexia 2 (HKPX2). Identifiers: Orphanet 3197, MedGen C3553291, MONDO:0013828, OMIM 614619.

Allele frequency attached by ClinVar (database versions not stated): gnomAD exomes 0.00013 and 0.00042; ExAC 0.00053; 1000 Genomes Project 0.00060; 1000 Genomes Project 30x 0.00078; gnomAD 0.00129 and 0.00136; TOPMed 0.00151; ESP Exome Variant Server 0.00216.
gnomAD v4.1: 387 of 1,569,748 alleles (0.025%); highest among the groups gnomAD compares: African/African-American, 0.44%; 1 homozygote.

Submission:

Illumina Laboratory Services, Illumina
Classification: Benign for Hyperekplexia 2. Last evaluated: 2018-01-13. Review status: criteria provided, single submitter. Criteria: ICSL Variant Classification Criteria 13 December 2019. Collection method: clinical testing. Allele origin: germline.
Comment: This variant was observed in the ICSL laboratory as part of a predisposition screen in an ostensibly healthy population. It had not been previously curated by ICSL or reported in the Human Gene Mutation Database (HGMD: prior to June 1st, 2018), and was therefore a candidate for classification through an automated scoring system. Utilizing variant allele frequency, disease prevalence and penetrance estimates, and inheritance mode, an automated score was calculated to assess if this variant is too frequent to cause the disease. Based on the score and internal cut-off values, a variant classified as benign is not then subjected to further curation. The score for this variant resulted in a classification of benign for this disease.